The following is an entry in ClinVar:

NM_003070.5(SMARCA2):c.2939A>G (p.His980Arg)

Gene: SMARCA2 (SWI/SNF related BAF chromatin remodeling complex subunit ATPase 2; plus strand). Cytogenetic location: 9p24.3.
Variant type: single nucleotide variant.
Coding change: c.2939A>G on transcript NM_003070.5 (MANE Select); coding-DNA position 2939, A replaced by G.
Protein change: p.His980Arg; replaces histidine 980 with arginine.
Molecular consequence: missense variant.
Genome position (GRCh38, 1-based): chr9:2,096,712, A>G. VCF-style: chr9-2096712-A-G. GRCh37 (hg19) VCF-style: chr9-2096712-A-G.
Other names: c.2939A>G, p.His980Arg (NM_001289396.2, NM_139045.4); c.2765A>G, p.His922Arg (NM_001289397.2); short protein forms H922R, H980R.
Identifiers: ClinVar variation 1686762 (VCV001686762.2), dbSNP rs2130525863, ClinGen allele CA372785973.
Genomic context (GRCh38, chr9:2,096,712, plus strand): 5'-TGCAGGTGGAATATGTGATCAAGTGTGACATGTCAGCTCTGCAGAAGATTCTGTATCGCC[A>G]TATGCAAGCCAAGGGGATCCTTCTCACAGATGGTTCTGAGAAAGATAAGAAGGTACGTTG-3'
Protein context (NP_003061.3, residues 970-990): MSALQKILYR[His980Arg]MQAKGILLTD

ClinVar aggregate classification (germline): Uncertain significance (1 of 4 stars; one submission).

Allele frequency attached by ClinVar (database versions not stated): gnomAD exomes below 0.00001.
gnomAD v4.1: 1 of 1,614,022 alleles (0.000062%); highest among the groups gnomAD compares: Non-Finnish European, 0.000085%; no homozygotes.

Submission:

GeneDx
Classification: Uncertain significance. Last evaluated: 2022-05-20. Review status: criteria provided, single submitter. Criteria: GeneDx Variant Classification Process June 2021. Collection method: clinical testing. Allele origin: germline. Affected: yes.
Comment: Not observed in large population cohorts (gnomAD); In silico analysis supports that this missense variant has a deleterious effect on protein structure/function; Has not been previously published as pathogenic or benign to our knowledge